The following is an entry in ClinVar:

ClinVar aggregate classification (germline): Uncertain significance (1 of 4 stars; one submission).

Conditions:
Familial adenomatous polyposis 1 (FAP1). Also called: FAMILIAL ADENOMATOUS POLYPOSIS 1, ATTENUATED; POLYPOSIS, ADENOMATOUS INTESTINAL. Identifiers: MedGen C2713442, MONDO:0021056, OMIM 175100. Disease mechanism: loss of function.

Submission:

Labcorp Genetics (formerly Invitae), Labcorp
Classification: Uncertain significance for Familial adenomatous polyposis 1. Last evaluated: 2021-07-30. Review status: criteria provided, single submitter. Criteria: Invitae Variant Classification Sherloc (09022015). Collection method: clinical testing. Allele origin: germline.
Comment: This variant is a gross deletion of the genomic region encompassing exon(s) 8 of the APC gene. This variant would be expected to be in-frame, preserving the integrity of the reading frame. This variant has not been reported in the literature in individuals affected with APC-related conditions. Experimental studies and prediction algorithms are not available or were not evaluated, and the functional significance of this variant is currently unknown. In summary, the available evidence is currently insufficient to determine the role of this variant in disease. Therefore, it has been classified as a Variant of Uncertain Significance.

NC_000005.9:g.(?_112136966)_(112137090_?)del

Gene: APC (APC regulator of Wnt signaling pathway; plus strand). Cytogenetic location: 5q22.2.
Variant type: Deletion.
Identifiers: ClinVar variation 2422168 (VCV002422168.3).